The following is an entry in ClinVar:

ClinVar aggregate classification (germline): Pathogenic. Review status: criteria provided, multiple submitters, no conflicts (2 of 4 stars). 3 submissions from 3 submitters: Pathogenic (3). Last evaluated 2025-12-29.

Conditions:
C8B-related disorder. Also called: C8B-related condition.
Type II complement component 8 deficiency. Also called: COMPLEMENT C8 DEFICIENCY, TYPE II; C8 BETA DEFICIENCY; C8B DEFICIENCY; COMPLEMENT COMPONENT 8B DEFICIENCY. Identifiers: MedGen C3151080, MONDO:0013421, OMIM 613789.

Allele frequency attached by ClinVar (database versions not stated): ExAC 0.00001; gnomAD 0.00002; TOPMed 0.00004; ESP Exome Variant Server 0.00008.
gnomAD v4.1: 55 of 1,613,128 alleles (0.0034%); highest among the groups gnomAD compares: Middle Eastern, 0.017%; no homozygotes.

Submissions (3):

Labcorp Genetics (formerly Invitae), Labcorp
Classification: Pathogenic. Last evaluated: 2025-12-29. Review status: criteria provided, single submitter. Criteria: Invitae Variant Classification Sherloc (09022015). Collection method: clinical testing. Allele origin: germline.
Comment: This sequence change creates a premature translational stop signal (p.Arg284*) in the C8B gene. It is expected to result in an absent or disrupted protein product. Loss-of-function variants in C8B are known to be pathogenic (PMID: 7594510). This variant is present in population databases (rs374155702, gnomAD 0.006%). This premature translational stop signal has been observed in individual(s) with terminal complement pathway deficiency (PMID: 28368462, 31440263). ClinVar contains an entry for this variant (Variation ID: 2184961). For these reasons, this variant has been classified as Pathogenic.

PreventionGenetics, part of Exact Sciences
Classification: Pathogenic for C8B-related condition. Last evaluated: 2025-07-21. Review status: criteria provided, single submitter. Criteria: ACMG Guidelines, 2015. Collection method: clinical testing. Allele origin: germline.
Comment: The C8B c.850C>T variant is predicted to result in premature protein termination (p.Arg284*). This variant has been reported in individuals with sub-total complement deficiencies or terminal complement pathway deficiencies (Supplemental Table 2, El Sissy et al. 2019. PubMed ID: 31440263; Supplementary Table 1, Rosain et al. 2017. PubMed ID: 28368462). This variant is reported in 0.0056% of alleles in individuals of Latino descent in gnomAD. Nonsense variants in C8B are expected to be pathogenic. This variant is interpreted as pathogenic.

Department of Pathology and Laboratory Medicine, Sinai Health System
Classification: Pathogenic for Type II complement component 8 deficiency. Last evaluated: 2023-10-17. Review status: criteria provided, single submitter. Criteria: ACMG Guidelines, 2015. Collection method: research. Allele origin: germline.

Literature cited by the submitters: PubMed 7594510 (cited by Labcorp Genetics (formerly Invitae), Labcorp); PubMed 28368462 (cited by Labcorp Genetics (formerly Invitae), Labcorp); PubMed 31440263 (cited by Labcorp Genetics (formerly Invitae), Labcorp).

NM_000066.4(C8B):c.850C>T (p.Arg284Ter)

Gene: C8B (complement C8 beta chain; minus strand). Cytogenetic location: 1p32.2.
Variant type: single nucleotide variant.
Coding change: c.850C>T on transcript NM_000066.4 (MANE Select); coding-DNA position 850, C replaced by T.
Protein change: p.Arg284Ter; replaces arginine 284 with a stop codon.
Molecular consequence: nonsense.
Genome position (GRCh38, 1-based): chr1:56,949,569, G>A on the plus strand (C>T on the coding strand, the complement: C8B is on the minus strand). VCF-style: chr1-56949569-G-A. GRCh37 (hg19) VCF-style: chr1-57415242-G-A.
Other names: c.694C>T, p.Arg232Ter (NM_001278543.2); c.664C>T, p.Arg222Ter (NM_001278544.2); c.850C>T (NM_000066.3); short protein forms R232*, R284*, R222*.
Identifiers: ClinVar variation 2184961 (VCV002184961.6), dbSNP rs374155702, ClinGen allele CA875844.